The following is an entry in ClinVar:

ClinVar aggregate classification (germline): Likely benign. Review status: criteria provided, multiple submitters, no conflicts (2 of 4 stars). 3 submissions from 3 submitters: Likely benign (3). Last evaluated 2026-01-28.

Conditions:
Hereditary cancer-predisposing syndrome. Also called: Hereditary neoplastic syndrome; Tumor predisposition; Neoplastic Syndromes, Hereditary; Hereditary Cancer Syndrome. Identifiers: Orphanet 140162, MedGen C0027672, MeSH D009386, MONDO:0015356.
Familial cancer of breast. Also called: Hereditary breast cancer; BREAST CANCER, FAMILIAL; hereditary breast carcinoma. Identifiers: Orphanet 227535, MedGen C0346153, MONDO:0016419, OMIM 114480. Disease mechanism: loss of function.
Fanconi anemia complementation group J. Also called: BRIP1-Related Fanconi Anemia. Identifiers: Orphanet 84, MedGen C1836860, MONDO:0012187, OMIM 609054.

Allele frequency attached by ClinVar (database versions not stated): gnomAD 0.00001; TOPMed 0.00001.
gnomAD v4.1: 6 of 1,604,132 alleles (0.00037%); highest among the groups gnomAD compares: Non-Finnish European, 0.00051%; no homozygotes.

Submissions (3):

Labcorp Genetics (formerly Invitae), Labcorp
Classification: Likely benign for Familial cancer of breast; Fanconi anemia complementation group J. Last evaluated: 2026-01-28. Review status: criteria provided, single submitter. Criteria: Invitae Variant Classification Sherloc (09022015). Collection method: clinical testing. Allele origin: germline.

Color Diagnostics, LLC DBA Color Health
Classification: Likely benign for Hereditary cancer-predisposing syndrome. Last evaluated: 2018-06-18. Review status: criteria provided, single submitter. Criteria: ACMG Guidelines, 2015. Collection method: clinical testing. Allele origin: germline.

GeneDx
Classification: Likely benign. Last evaluated: 2017-06-15. Review status: criteria provided, single submitter. Criteria: GeneDx Variant Classification (06012015). Collection method: clinical testing. Allele origin: germline. Affected: yes.
Comment: This variant is considered likely benign or benign based on one or more of the following criteria: it is a conservative change, it occurs at a poorly conserved position in the protein, it is predicted to be benign by multiple in silico algorithms, and/or has population frequency not consistent with disease.

NM_032043.3(BRIP1):c.1628+18G>C

Gene: BRIP1 (BRCA1 interacting DNA helicase 1; minus strand). Cytogenetic location: 17q23.2.
Variant type: single nucleotide variant.
Coding change: c.1628+18G>C on transcript NM_032043.3 (MANE Select); 18 bases into the intron after coding-DNA position 1628, G replaced by C.
Molecular consequence: intron variant.
Genome position (GRCh38, 1-based): chr17:61,784,252, C>G on the plus strand (G>C on the coding strand, the complement: BRIP1 is on the minus strand). VCF-style: chr17-61784252-C-G. GRCh37 (hg19) VCF-style: chr17-59861613-C-G.
Identifiers: ClinVar variation 382290 (VCV000382290.12), dbSNP rs1005163267, ClinGen allele CA16607418.